The following is an entry in ClinVar:

NM_000535.7(PMS2):c.123G>C (p.Glu41Asp)

Gene: PMS2 (PMS1 homolog 2, mismatch repair system component; minus strand). Cytogenetic location: 7p22.1.
Variant type: single nucleotide variant.
Coding change: c.123G>C on transcript NM_000535.7 (MANE Select); coding-DNA position 123, G replaced by C.
Protein change: p.Glu41Asp; replaces glutamic acid 41 with aspartic acid.
Molecular consequence: missense variant. On other transcripts: 5 prime UTR variant (8), non-coding transcript variant (1), intron variant (3).
Genome position (GRCh38, 1-based): chr7:6,005,932, C>G on the plus strand (G>C on the coding strand, the complement: PMS2 is on the minus strand). VCF-style: chr7-6005932-C-G. GRCh37 (hg19) VCF-style: chr7-6045563-C-G.
Other names: c.-283G>C (NM_001018040.1, NM_001322003.2, NM_001322005.2 and 11 more transcripts); c.123G>C, p.Glu41Asp (NM_001322006.2, NM_001322014.2, NM_001406868.1 and 10 more transcripts); c.-93G>C (NM_001322007.2, NM_001406896.1, NM_001406901.1 and 4 more transcripts); c.-762G>C (NM_001322011.2, NM_001322012.2); c.-362G>C (NM_001322015.2, NM_001406875.1, NM_001406877.1 and 2 more transcripts); c.309G>C, p.Glu103Asp (NM_001406866.1); c.-230G>C (NM_001406888.1, NM_001406889.1, NM_001406892.1 and 5 more transcripts); c.-273G>C (NM_001406890.1); and 4 more; short protein forms E103D, E41D.
Identifiers: ClinVar variation 1758008 (VCV001758008.3), dbSNP rs1583418794, ClinGen allele CA366745021.
Genomic context (GRCh38, chr7:6,005,932, plus strand): 5'-TAAAACTCTCCCAAACTTACCAATATTAGTGGCACCAGCATCCAGACTGTTTTCTACTAA[C>G]TCCTTTACCGCAGTGCTTAGACTCAGTACCACCTGCCCAGAGCAAATCTGATGGACTGAC-3'
Protein context (NP_000526.2, residues 31-51): VVLSLSTAVK[Glu41Asp]LVENSLDAGA

ClinVar aggregate classification (germline): Uncertain significance (1 of 4 stars; one submission).

Conditions:
Hereditary cancer-predisposing syndrome. Also called: Hereditary Cancer Syndrome; Hereditary neoplastic syndrome; Neoplastic Syndromes, Hereditary; Tumor predisposition. Identifiers: Orphanet 140162, MedGen C0027672, MeSH D009386, MONDO:0015356.

Allele frequency attached by ClinVar (database versions not stated): gnomAD exomes below 0.00001.

Submission:

Ambry Genetics
Classification: Uncertain significance for Hereditary cancer-predisposing syndrome. Last evaluated: 2026-08-17. Review status: criteria provided, single submitter. Criteria: Ambry Variant Classification Scheme 2023. Collection method: clinical testing. Allele origin: germline.
Comment: The p.E41D variant (also known as c.123G>C), located in coding exon 2 of the PMS2 gene, results from a G to C substitution at nucleotide position 123. The glutamic acid at codon 41 is replaced by aspartic acid, an amino acid with highly similar properties. This amino acid position is highly conserved in available vertebrate species. In addition, this alteration is predicted to be deleterious by in silico analysis. Based on the available evidence, the clinical significance of this variant remains unclear.